The following is an entry in ClinVar:

NM_000275.3(OCA2):c.158G>A (p.Arg53Lys)

Gene: OCA2 (OCA2 melanosomal transmembrane protein; minus strand). Cytogenetic location: 15q13.1.
Variant type: single nucleotide variant.
Coding change: c.158G>A on transcript NM_000275.3 (MANE Select); coding-DNA position 158, G replaced by A.
Protein change: p.Arg53Lys; replaces arginine 53 with lysine.
Molecular consequence: missense variant.
Genome position (GRCh38, 1-based): chr15:28,081,717, C>T on the plus strand (G>A on the coding strand, the complement: OCA2 is on the minus strand). VCF-style: chr15-28081717-C-T. GRCh37 (hg19) VCF-style: chr15-28326863-C-T.
Other names: c.158G>A, p.Arg53Lys (NM_001300984.2); c.158G>A (NM_000275.2); short protein forms R53K.
Identifiers: ClinVar variation 1502156 (VCV001502156.6), dbSNP rs1034863880, ClinGen allele CA7439563.

ClinVar aggregate classification (germline): Uncertain significance. Review status: criteria provided, multiple submitters, no conflicts (2 of 4 stars). 2 submissions from 2 submitters: Uncertain significance (2). Last evaluated 2025-03-31.

Conditions:
Inborn genetic diseases. Identifiers: MedGen C0950123, MeSH D030342.

Allele frequency attached by ClinVar (database versions not stated): gnomAD exomes 0.00002; ExAC 0.00002; gnomAD 0.00004.
gnomAD v4.1: 9 of 1,613,664 alleles (0.00056%); highest among the groups gnomAD compares: African/African-American, 0.012%; no homozygotes.

Submissions (2):

Ambry Genetics
Classification: Uncertain significance for Inborn genetic diseases. Last evaluated: 2025-03-31. Review status: criteria provided, single submitter. Criteria: Ambry Variant Classification Scheme 2023. Collection method: clinical testing. Allele origin: germline.

Labcorp Genetics (formerly Invitae), Labcorp
Classification: Uncertain significance. Last evaluated: 2022-06-23. Review status: criteria provided, single submitter. Criteria: Invitae Variant Classification Sherloc (09022015). Collection method: clinical testing. Allele origin: germline.
Comment: This sequence change replaces arginine, which is basic and polar, with lysine, which is basic and polar, at codon 53 of the OCA2 protein (p.Arg53Lys). This variant is present in population databases (no rsID available, gnomAD 0.02%). This variant has not been reported in the literature in individuals affected with OCA2-related conditions. Advanced modeling of protein sequence and biophysical properties (such as structural, functional, and spatial information, amino acid conservation, physicochemical variation, residue mobility, and thermodynamic stability) performed at Invitae indicates that this missense variant is not expected to disrupt OCA2 protein function. Algorithms developed to predict the effect of sequence changes on RNA splicing suggest that this variant may create or strengthen a splice site. In summary, the available evidence is currently insufficient to determine the role of this variant in disease. Therefore, it has been classified as a Variant of Uncertain Significance.